The following is an entry in ClinVar:

ClinVar aggregate classification (germline): Uncertain significance. Review status: criteria provided, multiple submitters, no conflicts (2 of 4 stars). 2 submissions from 2 submitters: Uncertain significance (2). Last evaluated 2022-08-17.

Conditions:
Inborn genetic diseases. Identifiers: MedGen C0950123, MeSH D030342.

Allele frequency attached by ClinVar (database versions not stated): TOPMed below 0.00001.

Submissions (2):

GeneDx
Classification: Uncertain significance. Last evaluated: 2022-08-17. Review status: criteria provided, single submitter. Criteria: GeneDx Variant Classification Process June 2021. Collection method: clinical testing. Allele origin: germline. Affected: yes.
Comment: Not observed at significant frequency in large population cohorts (gnomAD); In silico analysis supports that this missense variant does not alter protein structure/function; Has not been previously published as pathogenic or benign to our knowledge

Ambry Genetics
Classification: Uncertain significance for Inborn genetic diseases. Last evaluated: 2021-11-12. Review status: criteria provided, single submitter. Criteria: Ambry Variant Classification Scheme 2023. Collection method: clinical testing. Allele origin: germline.

NM_014846.4(WASHC5):c.3439G>A (p.Val1147Met)

Gene: WASHC5 (WASH complex subunit 5; minus strand). Cytogenetic location: 8q24.13.
Variant type: single nucleotide variant.
Coding change: c.3439G>A on transcript NM_014846.4 (MANE Select); coding-DNA position 3439, G replaced by A.
Protein change: p.Val1147Met; replaces valine 1147 with methionine.
Molecular consequence: missense variant.
Genome position (GRCh38, 1-based): chr8:125,024,658, C>T on the plus strand (G>A on the coding strand, the complement: WASHC5 is on the minus strand). VCF-style: chr8-125024658-C-T. GRCh37 (hg19) VCF-style: chr8-126036900-C-T.
Other names: c.2995G>A, p.Val999Met (NM_001330609.2); short protein forms V1147M, V999M.
Identifiers: ClinVar variation 2261046 (VCV002261046.3), dbSNP rs1815322209, ClinGen allele CA372178023.